The following is an entry in ClinVar:

ClinVar aggregate classification (germline): Uncertain significance (1 of 4 stars; one submission).

Conditions:
Compton-North congenital myopathy (CMYO12). Identifiers: Orphanet 210163, MedGen C2675527, MONDO:0012929, OMIM 612540.

Allele frequency attached by ClinVar (database versions not stated): gnomAD exomes below 0.00001; ExAC 0.00001; gnomAD 0.00002 and 0.00003; 1000 Genomes Project 30x 0.00016; 1000 Genomes Project 0.00020.
gnomAD v4.1: 9 of 1,614,106 alleles (0.00056%); highest among the groups gnomAD compares: African/African-American, 0.011%; no homozygotes.

Submission:

Labcorp Genetics (formerly Invitae), Labcorp
Classification: Uncertain significance for Compton-North congenital myopathy. Last evaluated: 2022-07-26. Review status: criteria provided, single submitter. Criteria: Invitae Variant Classification Sherloc (09022015). Collection method: clinical testing. Allele origin: germline.
Comment: This sequence change replaces serine, which is neutral and polar, with arginine, which is basic and polar, at codon 775 of the CNTN1 protein (p.Ser775Arg). This variant is present in population databases (rs538201110, gnomAD 0.03%). In summary, the available evidence is currently insufficient to determine the role of this variant in disease. Therefore, it has been classified as a Variant of Uncertain Significance. Advanced modeling of protein sequence and biophysical properties (such as structural, functional, and spatial information, amino acid conservation, physicochemical variation, residue mobility, and thermodynamic stability) performed at Invitae indicates that this missense variant is not expected to disrupt CNTN1 protein function. ClinVar contains an entry for this variant (Variation ID: 1465977). This variant has not been reported in the literature in individuals affected with CNTN1-related conditions.

NM_001843.4(CNTN1):c.2325C>A (p.Ser775Arg)

Gene: CNTN1 (contactin 1; plus strand). Cytogenetic location: 12q12.
Variant type: single nucleotide variant.
Coding change: c.2325C>A on transcript NM_001843.4 (MANE Select); coding-DNA position 2325, C replaced by A.
Protein change: p.Ser775Arg; replaces serine 775 with arginine.
Molecular consequence: missense variant.
Genome position (GRCh38, 1-based): chr12:41,016,822, C>A. VCF-style: chr12-41016822-C-A. GRCh37 (hg19) VCF-style: chr12-41410624-C-A.
Other names: c.2292C>A, p.Ser764Arg (NM_175038.2); short protein forms S764R, S775R.
Identifiers: ClinVar variation 1465977 (VCV001465977.6), dbSNP rs538201110, ClinGen allele CA6517107.